The following is an entry in ClinVar:

NM_004369.4(COL6A3):c.7855G>A (p.Asp2619Asn)

Gene: COL6A3 (collagen type VI alpha 3 chain; minus strand). Cytogenetic location: 2q37.3.
Variant type: single nucleotide variant.
Coding change: c.7855G>A on transcript NM_004369.4 (MANE Select); coding-DNA position 7855, G replaced by A.
Protein change: p.Asp2619Asn; replaces aspartic acid 2619 with asparagine.
Molecular consequence: missense variant.
Genome position (GRCh38, 1-based): chr2:237,341,061, C>T on the plus strand (G>A on the coding strand, the complement: COL6A3 is on the minus strand). VCF-style: chr2-237341061-C-T. GRCh37 (hg19) VCF-style: chr2-238249704-C-T.
Other names: c.7855G>A (NM_004369.3); c.6034G>A, p.Asp2012Asn (NM_057166.5); c.7237G>A, p.Asp2413Asn (NM_057167.4); short protein forms D2413N, D2012N, D2619N.
Identifiers: ClinVar variation 1436747 (VCV001436747.7), dbSNP rs756654349, ClinGen allele CA2187676.
Genomic context (GRCh38, chr2:237,341,061, plus strand): 5'-TCATCTCATTGAACTGGAACAGGGTGGTGGTCTCAGCGCTGTCTAAGATGAAAGCCATGT[C>T]GATGTCCACATCGCTCCCTGCCGCTCTCCTGTCCCTGAAGGAAGGCCTCCAACTGCCAAA-3'
Protein context (NP_004360.2, residues 2609-2629): RRAAGSDVDI[Asp2619Asn]MAFILDSAET

ClinVar aggregate classification (germline): Uncertain significance. Review status: criteria provided, multiple submitters, no conflicts (2 of 4 stars). 2 submissions from 2 submitters: Uncertain significance (2). Last evaluated 2025-12-23.

Conditions:
Bethlem myopathy 1A. Also called: MYOPATHY, BENIGN CONGENITAL, WITH CONTRACTURES; Bethlem Muscular Dystrophy; Bethlem myopathy 1. Identifiers: Orphanet 610, MedGen CN029274, MONDO:0024530, OMIM 158810.
COL6A3-related disorder. Also called: COL6A3-related disorders; COL6A3-related condition.

Allele frequency attached by ClinVar (database versions not stated): gnomAD 0.00001; TOPMed 0.00001; ExAC 0.00002; gnomAD exomes 0.00002.
gnomAD v4.1: 19 of 1,614,032 alleles (0.0012%); highest among the groups gnomAD compares: East Asian, 0.0067%; no homozygotes.

Submissions (2):

Labcorp Genetics (formerly Invitae), Labcorp
Classification: Uncertain significance for Bethlem myopathy 1A. Last evaluated: 2025-12-23. Review status: criteria provided, single submitter. Criteria: Invitae Variant Classification Sherloc (09022015). Collection method: clinical testing. Allele origin: germline.
Comment: This sequence change replaces aspartic acid, which is acidic and polar, with asparagine, which is neutral and polar, at codon 2619 of the COL6A3 protein (p.Asp2619Asn). This variant is present in population databases (rs756654349, gnomAD 0.003%). This variant has not been reported in the literature in individuals affected with COL6A3-related conditions. ClinVar contains an entry for this variant (Variation ID: 1436747). Invitae Evidence Modeling of protein sequence and biophysical properties (such as structural, functional, and spatial information, amino acid conservation, physicochemical variation, residue mobility, and thermodynamic stability) indicates that this missense variant is expected to disrupt COL6A3 protein function with a positive predictive value of 80%. In summary, the available evidence is currently insufficient to determine the role of this variant in disease. Therefore, it has been classified as a Variant of Uncertain Significance.

PreventionGenetics, part of Exact Sciences
Classification: Uncertain significance for COL6A3-related condition. Last evaluated: 2023-07-20. Review status: criteria provided, single submitter. Criteria: ACMG Guidelines, 2015. Collection method: clinical testing. Allele origin: germline.
Comment: The COL6A3 c.7855G>A variant is predicted to result in the amino acid substitution p.Asp2619Asn. To our knowledge, this variant has not been reported in the literature. This variant is reported in 0.0029% of alleles in individuals of Latino descent in gnomAD. At this time, the clinical significance of this variant is uncertain due to the absence of conclusive functional and genetic evidence.